The following is an entry in ClinVar:

NM_000270.4(PNP):c.265G>A (p.Glu89Lys)

Gene: PNP (purine nucleoside phosphorylase; plus strand). Cytogenetic location: 14q11.2.
Variant type: single nucleotide variant.
Coding change: c.265G>A on transcript NM_000270.4 (MANE Select); coding-DNA position 265, G replaced by A.
Protein change: p.Glu89Lys; replaces glutamic acid 89 with lysine.
Molecular consequence: missense variant.
Genome position (GRCh38, 1-based): chr14:20,474,555, G>A. VCF-style: chr14-20474555-G-A. GRCh37 (hg19) VCF-style: chr14-20942714-G-A.
Other names: short protein forms E89K.
Identifiers: ClinVar variation 13988 (VCV000013988.14), dbSNP rs104894453, ClinGen allele CA123669.
Genomic context (GRCh38, chr14:20,474,555, plus strand): 5'-GTGTTTGGGTTCCTGAATGGCAGGGCCTGTGTGATGATGCAGGGCAGGTTCCACATGTAT[G>A]AAGGGTACCCACTCTGGAAGGTAAGTCAGAGGGATAGGTCCGGTTGGATCTGGAAGAGGC-3'
Protein context (NP_000261.2, residues 79-99): VMMQGRFHMY[Glu89Lys]GYPLWKVTFP

ClinVar aggregate classification (germline): Pathogenic. Review status: criteria provided, multiple submitters, no conflicts (2 of 4 stars). 6 submissions from 6 submitters: Pathogenic (4). 2 of the submissions do not count toward it. Last evaluated 2025-12-20.

Conditions:
PNP-related disorder. Also called: PNP-related condition.
Severe combined immunodeficiency disease. Also called: Severe combined immunodeficiency; Severe Combined Immune Deficiency. Identifiers: Orphanet 183660, MedGen C0085110, MeSH D016511, MONDO:0015974, HP:0004430. Inheritance: X-Linked or Autosomal recessive.
Purine-nucleoside phosphorylase deficiency. Also called: Immunodeficiency due to purine nucleoside phosphorylase deficiency; NUCLEOSIDE PHOSPHORYLASE DEFICIENCY. Identifiers: Orphanet 760, MedGen C0268125, MONDO:0013171, OMIM 613179.

Allele frequency attached by ClinVar (database versions not stated): ExAC 0.00002; gnomAD 0.00001; TOPMed 0.00001; gnomAD exomes 0.00002.

Submissions (6):

Labcorp Genetics (formerly Invitae), Labcorp
Classification: Pathogenic for Purine-nucleoside phosphorylase deficiency. Last evaluated: 2025-12-20. Review status: criteria provided, single submitter. Criteria: Invitae Variant Classification Sherloc (09022015). Collection method: clinical testing. Allele origin: germline.
Comment: This sequence change replaces glutamic acid, which is acidic and polar, with lysine, which is basic and polar, at codon 89 of the PNP protein (p.Glu89Lys). This variant is present in population databases (rs104894453, gnomAD 0.004%). This missense change has been observed in individual(s) with purine nucleoside phosphorylase deficiency (PMID: 3029074, 9067751, 31130284, 32514656). ClinVar contains an entry for this variant (Variation ID: 13988). Invitae Evidence Modeling of protein sequence and biophysical properties (such as structural, functional, and spatial information, amino acid conservation, physicochemical variation, residue mobility, and thermodynamic stability) indicates that this missense variant is expected to disrupt PNP protein function with a positive predictive value of 80%. Experimental studies have shown that this missense change affects PNP function (PMID: 3029074). For these reasons, this variant has been classified as Pathogenic.

Women's Health and Genetics/Laboratory Corporation of America, LabCorp
Classification: Pathogenic for Severe combined immunodeficiency disease. Last evaluated: 2025-02-13. Review status: criteria provided, single submitter. Criteria: LabCorp Variant Classification Summary - May 2015. Collection method: clinical testing. Allele origin: germline.
Comment: Variant summary: PNP c.265G>A (p.Glu89Lys) results in a conservative amino acid change in the encoded protein sequence. Four of five in-silico tools predict a damaging effect of the variant on protein function. The variant allele was found at a frequency of 2e-05 in 251488 control chromosomes (gnomAD). c.265G>A has been reported in the literature in multiple individuals affected with Severe Combined Immunodeficiency (Williams_1987, Markert_1997, Monies_2019). These data indicate that the variant is very likely to be associated with disease. To our knowledge, no experimental evidence demonstrating an impact on protein function has been reported. The following publications have been ascertained in the context of this evaluation (PMID: 9067751, 31130284, 3029074). ClinVar contains an entry for this variant (Variation ID: 13988). Based on the evidence outlined above, the variant was classified as pathogenic.

Blueprint Genetics
Classification: Pathogenic for PNP-related disorders. Last evaluated: 2024-10-25. Review status: criteria provided, single submitter. Criteria: ACMG Guidelines, 2015. Collection method: clinical testing. Allele origin: germline. Affected: yes. Observed: 3 variant alleles.

Genomic Medicine Center of Excellence, King Faisal Specialist Hospital and Research Centre
Classification: Pathogenic for Purine-nucleoside phosphorylase deficiency. Last evaluated: 2024-03-14. Review status: criteria provided, single submitter. Criteria: ACMG Guidelines, 2015. Collection method: research. Allele origin: germline.

OMIM
Classification: Pathogenic for NUCLEOSIDE PHOSPHORYLASE DEFICIENCY. Last evaluated: 1987-02-15. Review status: no assertion criteria provided. Collection method: literature only. Allele origin: germline. Not counted in ClinVar's aggregate classification.

Centre for Mendelian Genomics, University Medical Centre Ljubljana
Classification: Uncertain significance for Purine-nucleoside phosphorylase deficiency. Last evaluated: 2018-11-14. Review status: flagged submission. Criteria: ACMG Guidelines, 2015. Collection method: clinical testing. Allele origin: unknown. Affected: yes. Not counted in ClinVar's aggregate classification.
Comment: This variant was classified as: Uncertain significance. The available evidence on this variant's pathogenicity is insufficient or conflicting. The following ACMG criteria were applied in classifying this variant: PM2,PP3,PP5.
ClinVar note: Reason: Older claim that does not account for recent evidence

Literature cited by the submitters: PubMed 3029074 (cited by 3 submitters); PubMed 9067751 (cited by Labcorp Genetics (formerly Invitae), Labcorp and Women's Health and Genetics/Laboratory Corporation of America, LabCorp); PubMed 31130284 (cited by Labcorp Genetics (formerly Invitae), Labcorp and Women's Health and Genetics/Laboratory Corporation of America, LabCorp); PubMed 32514656 (cited by Labcorp Genetics (formerly Invitae), Labcorp).